The following is an entry in ClinVar:

NM_004453.4(ETFDH):c.700G>A (p.Gly234Arg)

Gene: ETFDH (electron transfer flavoprotein dehydrogenase; plus strand). Cytogenetic location: 4q32.1.
Variant type: single nucleotide variant.
Coding change: c.700G>A on transcript NM_004453.4 (MANE Select); coding-DNA position 700, G replaced by A.
Protein change: p.Gly234Arg; replaces glycine 234 with arginine.
Molecular consequence: missense variant.
Genome position (GRCh38, 1-based): chr4:158,695,512, G>A. VCF-style: chr4-158695512-G-A. GRCh37 (hg19) VCF-style: chr4-159616664-G-A.
Other names: c.559G>A, p.Gly187Arg (NM_001281737.2); c.517G>A, p.Gly173Arg (NM_001281738.1); short protein forms G187R, G173R, G234R.
Identifiers: ClinVar variation 649932 (VCV000649932.10), dbSNP rs1032041993, ClinGen allele CA108811055.
Genomic context (GRCh38, chr4:158,695,512, plus strand): 5'-TTTAAATTGTCAAATGTTGCCATTTAACATGTTTTTGCTTTTCAGGCAACATTTGAGAGA[G>A]GACTGGAACTACATGCTAAAGTCACAATTTTTGCAGAAGGTTGCCATGGACATCTAGCCA-3'
Protein context (NP_004444.2, residues 224-244): DGAPKATFER[Gly234Arg]LELHAKVTIF

ClinVar aggregate classification (germline): Uncertain significance. Review status: criteria provided, single submitter (1 of 4 stars). 2 submissions from 2 submitters: Uncertain significance (1). 1 of the submissions does not count toward it. Last evaluated 2022-10-03.

Conditions:
Multiple acyl-CoA dehydrogenase deficiency (MADD). Also called: Glutaric aciduria, type 2; Glutaric Acidemia type 2; ETHYLMALONIC-ADIPICACIDURIA; GA II; Glutaric acidemia type II; GA 2. Identifiers: Orphanet 26791, MedGen C0268596, MONDO:0009282, OMIM 231680.
Glutaric acidemia type 2C.

Allele frequency attached by ClinVar (database versions not stated): TOPMed below 0.00001.

Submissions (2):

Labcorp Genetics (formerly Invitae), Labcorp
Classification: Uncertain significance for Multiple acyl-CoA dehydrogenase deficiency. Last evaluated: 2022-10-03. Review status: criteria provided, single submitter. Criteria: Invitae Variant Classification Sherloc (09022015). Collection method: clinical testing. Allele origin: germline.
Comment: In summary, the available evidence is currently insufficient to determine the role of this variant in disease. Therefore, it has been classified as a Variant of Uncertain Significance. Advanced modeling of protein sequence and biophysical properties (such as structural, functional, and spatial information, amino acid conservation, physicochemical variation, residue mobility, and thermodynamic stability) performed at Invitae indicates that this missense variant is expected to disrupt ETFDH protein function. ClinVar contains an entry for this variant (Variation ID: 649932). This variant has not been reported in the literature in individuals affected with ETFDH-related conditions. This variant is not present in population databases (gnomAD no frequency). This sequence change replaces glycine, which is neutral and non-polar, with arginine, which is basic and polar, at codon 234 of the ETFDH protein (p.Gly234Arg).

Natera, Inc.
Classification: Uncertain significance for Glutaric acidemia type 2C. Last evaluated: 2021-04-14. Review status: no assertion criteria provided. Collection method: clinical testing. Allele origin: germline. Not counted in ClinVar's aggregate classification.